The following continues an entry in ClinVar:

NM_000243.3(MEFV):c.2084A>G (p.Lys695Arg)

ClinVar aggregate classification (germline): Conflicting classifications of pathogenicity. Pathogenic (5); Likely pathogenic (6); Uncertain significance (21); Likely benign (2).

Submissions 22 to 39 of 45:

Laboratory for Molecular Medicine, Mass General Brigham Personalized Medicine
Classification: Uncertain significance. Last evaluated: 2022-06-23. Review status: criteria provided, single submitter. Criteria: ACMG Guidelines, 2015. Collection method: clinical testing. Allele origin: germline.
Comment: Disclaimer: This variant has not undergone full assessment. The following are preliminary notes: Personal communication by Dr. Serge Amselem (who has been working on FMF for many years now): ...the issue of the pathogenicity of MEFV variants can be summarized as follows: no functional assay, conservation cannot be used as an argument because the domain that contains the mutations that are accepted by the scientific community as such is not conserved in the mouse; in addition, in other species where the domain is conserved the mutation corresponds to the reference sequence in these species. So, the only argument can be the frequency in the patient population versus cohort populations of the same origin. For K695R there is no proof that the variant is indeed deleterious. There are more than 30 papers reporting this variant since the original paper by Bernot-1998. It is considered as a variant with reduced penetrance. In the paper by Gershoni-2002 it is worth noting the high number of healthy individuals that carry the variant in the family (and none of the affecteds). In the paper by Aksientevitch-1999 the K695 is found more often in healthy controls than in patients [....The K695R mutation was also overrepresented in the general Ashkenazi sample, accounting for 12% of the carrier chromosomes, but was only observed on 2 (5%) of 36 Ashkenazi FMF patient chromosomes.. ] According to Pr. Amselem it would most likely be a polymorphism but we would need a serious population study to demonstrate it and in clinic the answer they have been giving is VUS.

Baylor Genetics
Classification: Likely pathogenic for Familial Mediterranean fever. Last evaluated: 2022-03-18. Review status: criteria provided, single submitter. Criteria: ACMG Guidelines, 2015. Collection method: clinical testing. Allele origin: unknown.

Genome Diagnostics Laboratory, The Hospital for Sick Children
Classification: Likely pathogenic for Autoinflammatory syndrome. Last evaluated: 2022-03-10. Review status: criteria provided, single submitter. Criteria: ACMG Guidelines, 2015. Collection method: clinical testing. Allele origin: germline. Affected: yes.

Genetics and Molecular Pathology, SA Pathology
Classification: Uncertain significance for Familial Mediterranean fever. Last evaluated: 2021-06-04. Review status: criteria provided, single submitter. Criteria: ACMG Guidelines, 2015. Collection method: clinical testing. Allele origin: germline. Affected: yes.

Genome-Nilou Lab
Classification: Likely pathogenic for Familial Mediterranean fever. Last evaluated: 2021-05-18. Review status: criteria provided, single submitter. Criteria: ACMG Guidelines, 2015. Collection method: clinical testing. Allele origin: germline. Affected: no.

Institute of Medical Genetics and Applied Genomics, University Hospital Tübingen
Classification: Likely pathogenic. Last evaluated: 2020-10-23. Review status: criteria provided, single submitter. Criteria: ACMG Guidelines, 2015. Collection method: clinical testing. Allele origin: germline. Inheritance: Unknown mechanism. Affected: yes.

Mendelics
Classification: Uncertain significance for Familial Mediterranean fever. Last evaluated: 2019-05-28. Review status: criteria provided, single submitter. Criteria: Mendelics Assertion Criteria 2017. Collection method: clinical testing. Allele origin: unknown.

Knight Diagnostic Laboratories, Oregon Health and Sciences University
Classification: Likely pathogenic for Renal insufficiency; Abnormal heart morphology; Abnormal cardiovascular system morphology. Last evaluated: 2016-09-02. Review status: criteria provided, single submitter. Criteria: ACMG Guidelines, 2015. Collection method: clinical testing. Allele origin: germline. Observed: 1 variant allele.

Eurofins Ntd Llc (ga)
Classification: Likely pathogenic. Last evaluated: 2016-02-24. Review status: criteria provided, single submitter. Criteria: EGL Classification Definitions 2015. Collection method: clinical testing. Allele origin: germline. Observed: 5 variant alleles, 5 heterozygotes.

Clinical Genetics and Genomics, Karolinska University Hospital
Classification: Pathogenic. Last evaluated: 2015-08-06. Review status: criteria provided, single submitter. Criteria: ACMG Guidelines, 2015. Collection method: clinical testing. Allele origin: germline. Affected: yes. Observed: 5 variant alleles.

Knight Diagnostic Laboratories, Oregon Health and Sciences University
Classification: Pathogenic for Familial Mediterranean fever. Last evaluated: 2015-01-05. Review status: criteria provided, single submitter. Criteria: ACMG Guidelines, 2015. Collection method: clinical testing. Allele origin: germline. Inheritance: Autosomal recessive inheritance. Affected: no.

Center for Genomics, Ann and Robert H. Lurie Children's Hospital of Chicago
Classification: Uncertain significance for Familial Mediterranean fever, autosomal dominant; Familial Mediterranean fever. Review status: criteria provided, single submitter. Criteria: ACMG Guidelines, 2015. Collection method: clinical testing. Allele origin: germline.
Comment: MEFV NM_000243.2 exon10 p.Lys695Arg (c.2084A>G): This variant is a well reported but controversial variant in the literature, with several individuals described with features of Familial Mediterranean Fever (FMF) in the homozygous, heterozygous, compound and double heterozygous state, including an entry in GeneReviews (Aksentijevich 1999 PMID:10090880, Feng 2009 PMID:20041150, Attug, 2013 PMID:23981758, Oztuzcu 2014 PMID:24469716, Sediva 2014 PMID:24251727, Shohat 2016 PMID:20301405). This variant is present in 1.6% (422/25790) of European (Finnish) alleles, including 3 homozygotes in the Genome Aggregation Database. This variant is present in ClinVar, with several discrepant classifications from Pathogenic to Likely Benign (Variation ID:2547). Evolutionary conservation and computational predictive tools suggest that this variant may not impact the protein. Of note, at least 1 article in the literature suggests that this variant may have a mild effect or reduced penetrance (Aksentijevich 1999 PMID:10090880), but further information is required for accurate classification. In summary, data on this variant is too unclear for definitive disease classification; therefore, the clinical significance of this variant is uncertain.

Center for Genomics, Ann and Robert H. Lurie Children's Hospital of Chicago
Classification: Uncertain significance for Acute febrile neutrophilic dermatosis; Familial Mediterranean fever; Familial Mediterranean fever, autosomal dominant. Review status: criteria provided, single submitter. Criteria: ACMG Guidelines, 2015. Collection method: clinical testing. Allele origin: germline.
Comment: the same text as in the submission from Center for Genomics, Ann and Robert H. Lurie Children's Hospital of Chicago above.

Zotz-Klimas Genetics Lab, MVZ Zotz Klimas
Classification: Likely pathogenic for Familial Mediterranean fever, autosomal dominant. Last evaluated: 2023-11-02. Review status: no assertion criteria provided. Collection method: clinical testing. Allele origin: germline. Affected: yes. Not counted in ClinVar's aggregate classification.

Counsyl
Classification: Likely pathogenic for Familial Mediterranean fever. Last evaluated: 2017-04-12. Review status: no assertion criteria provided. Collection method: clinical testing. Allele origin: unknown. Not counted in ClinVar's aggregate classification.

Centre for Mendelian Genomics, University Medical Centre Ljubljana
Classification: Uncertain significance for Abnormality of the dentition; Cachexia; Intermittent diarrhea; Peripheral neuropathy; Syncope; Urticaria. Last evaluated: 2016-05-04. Review status: no assertion criteria provided. Collection method: clinical testing. Allele origin: unknown. Affected: yes. Not counted in ClinVar's aggregate classification.

OMIM
Classification: Pathogenic for FAMILIAL MEDITERRANEAN FEVER. Last evaluated: 1998-08-01. Review status: no assertion criteria provided. Collection method: literature only. Allele origin: germline. Not counted in ClinVar's aggregate classification.

Clinical Genetics DNA and cytogenetics Diagnostics Lab, Erasmus MC, Erasmus Medical Center
Classification: Likely pathogenic. Review status: no assertion criteria provided. Collection method: clinical testing. Allele origin: germline. Affected: yes. Study: VKGL Data-share Consensus. Not counted in ClinVar's aggregate classification.